The following is an entry in ClinVar:

NM_001290060.2(SEMA3B):c.348C>T (p.Phe116=)

Gene: SEMA3B (semaphorin 3B; plus strand). Cytogenetic location: 3p21.31.
Variant type: single nucleotide variant.
Coding change: c.348C>T on transcript NM_001290060.2 (MANE Select); coding-DNA position 348, C replaced by T.
Protein change: p.Phe116=; no amino-acid change (phenylalanine 116 retained).
Molecular consequence: synonymous variant.
Genome position (GRCh38, 1-based): chr3:50,270,907, C>T. VCF-style: chr3-50270907-C-T. GRCh37 (hg19) VCF-style: chr3-50308338-C-T.
Other names: c.348C>T, p.Phe116= (NM_001435958.1, NM_004636.4, NM_001005914.3 and 3 more transcripts).
Identifiers: ClinVar variation 4987898 (VCV004987898.1).
Genomic context (GRCh38, chr3:50,270,907, plus strand): 5'-GGCTACGTCCCTGGGGGAAGCCTCACACCTCCAACCCTACTAGACTGAGTGCATGAACTT[C>T]GTGAAGTTGCTGCATGCCTACAACCGCACCCATTTGCTGGCCTGTGGCACGGGAGCCTTC-3'
Protein context (NP_001276989.1, residues 106-126): GKDIGTECMN[Phe116=]VKLLHAYNRT

ClinVar aggregate classification (germline): Uncertain significance (1 of 4 stars; one submission).

Conditions:
SEMA3B-related disorder. Also called: SEMA3B-related condition.

gnomAD v4.1: 13 of 1,608,250 alleles (0.00081%); highest among the groups gnomAD compares: South Asian, 0.0056%; no homozygotes.

Submission:

PreventionGenetics, part of Exact Sciences
Classification: Uncertain significance for SEMA3B-related condition. Last evaluated: 2024-12-19. Review status: criteria provided, single submitter. Criteria: ACMG Guidelines, 2015. Collection method: clinical testing. Allele origin: germline.
Comment: The SEMA3B c.348C>T is a noncoding alteration. This variant is predicted to impact splicing based on splicing prediction programs (SpliceAI, Jaganathan K, et al. 2019. PubMed ID: 30661751). To our knowledge, this variant has not been reported in the literature. This variant is reported in 0.010% of alleles in individuals of South Asian descent in gnomAD. At this time, the clinical significance of this variant is uncertain due to the absence of conclusive functional and genetic evidence.